The following is an entry in ClinVar:

NM_001278512.2(AP3B2):c.110A>C (p.Lys37Thr)

Genes: AP3B2 (adaptor related protein complex 3 subunit beta 2; minus strand), LOC130057772 (ATAC-STARR-seq lymphoblastoid silent region 6752; plus strand). Cytogenetic location: 15q25.2.
Variant type: single nucleotide variant.
Coding change: c.110A>C on transcript NM_001278512.2 (MANE Select); coding-DNA position 110, A replaced by C.
Protein change: p.Lys37Thr; replaces lysine 37 with threonine.
Molecular consequence: missense variant.
Genome position (GRCh38, 1-based): chr15:82,709,597, T>G on the plus strand (A>C on the coding strand, the complement: AP3B2 is on the minus strand). VCF-style: chr15-82709597-T-G. GRCh37 (hg19) VCF-style: chr15-83378349-T-G.
Other names: c.110A>C, p.Lys37Thr (NM_001278511.2, NM_001348440.2, NM_004644.5); short protein forms K37T.
Identifiers: ClinVar variation 1465517 (VCV001465517.5), dbSNP rs1025914031, ClinGen allele CA273472525.

ClinVar aggregate classification (germline): Uncertain significance (1 of 4 stars; one submission).

Submission:

Labcorp Genetics (formerly Invitae), Labcorp
Classification: Uncertain significance. Last evaluated: 2021-09-01. Review status: criteria provided, single submitter. Criteria: Invitae Variant Classification Sherloc (09022015). Collection method: clinical testing. Allele origin: germline.
Comment: This sequence change replaces lysine with threonine at codon 37 of the AP3B2 protein (p.Lys37Thr). The lysine residue is weakly conserved and there is a moderate physicochemical difference between lysine and threonine. The frequency data for this variant in the population databases is considered unreliable, as metrics indicate insufficient coverage at this position in the ExAC database. This variant has not been reported in the literature in individuals affected with AP3B2-related conditions. Algorithms developed to predict the effect of missense changes on protein structure and function (SIFT, PolyPhen-2, Align-GVGD) all suggest that this variant is likely to be tolerated. In summary, the available evidence is currently insufficient to determine the role of this variant in disease. Therefore, it has been classified as a Variant of Uncertain Significance.